The following is an entry in ClinVar:

NM_177924.5(ASAH1):c.382+91_382+119dup

Gene: ASAH1 (N-acylsphingosine amidohydrolase 1; minus strand). Cytogenetic location: 8p22.
Variant type: Duplication.
Coding change: c.382+91_382+119dup on transcript NM_177924.5 (MANE Select); bases 91 to 119 of the intron after coding-DNA position 382, 29 bases duplicated (TGTATGTCTTAGATATACAGCACAGGTGC).
Molecular consequence: intron variant.
Genome position (GRCh38, 1-based): chr8:18,067,101-18,067,129, GCACCTGTGCTGTATATCTAAGACATACA duplicated on the plus strand (TGTATGTCTTAGATATACAGCACAGGTGC on the coding strand, the reverse complement: ASAH1 is on the minus strand); duplicating any 29 consecutive bases within chr8:18,067,101-18,067,144 gives the same sequence; the c. name uses the placement nearest the transcript's 3' end. VCF-style (leftmost placement, unchanged base first): chr8-18067100-T-TGCACCTGTGCTGTATATCTAAGACATACA. GRCh37 (hg19) VCF-style: chr8-17924609-T-TGCACCTGTGCTGTATATCTAAGACATACA.
Other names: c.430+91_430+119dup (NM_004315.6); c.364+91_364+119dup (NM_001127505.3); c.187+91_187+119dup (NM_001363743.2).
Identifiers: ClinVar variation 672673 (VCV000672673.1), dbSNP rs55646030, ClinGen allele CA173144469.

ClinVar aggregate classification (germline): Benign (1 of 4 stars; one submission).

Submission:

GeneDx
Classification: Benign. Last evaluated: 2018-06-19. Review status: criteria provided, single submitter. Criteria: GeneDx Variant Classification (06012015). Collection method: clinical testing. Allele origin: germline. Affected: yes.
Comment: This variant is considered likely benign or benign based on one or more of the following criteria: it is a conservative change, it occurs at a poorly conserved position in the protein, it is predicted to be benign by multiple in silico algorithms, and/or has population frequency not consistent with disease.